The following is an entry in ClinVar:

NM_138295.5(PKD1L1):c.2880C>T (p.Leu960=)

Gene: PKD1L1 (polycystin 1 like 1, transient receptor potential channel interacting; minus strand). Cytogenetic location: 7p12.3.
Variant type: single nucleotide variant.
Coding change: c.2880C>T on transcript NM_138295.5 (MANE Select); coding-DNA position 2880, C replaced by T.
Protein change: p.Leu960=; no amino-acid change (leucine 960 retained).
Molecular consequence: synonymous variant.
Genome position (GRCh38, 1-based): chr7:47,886,011, G>A on the plus strand (C>T on the coding strand, the complement: PKD1L1 is on the minus strand). VCF-style: chr7-47886011-G-A. GRCh37 (hg19) VCF-style: chr7-47925609-G-A.
Other names: c.2880C>T (NM_138295.3).
Identifiers: ClinVar variation 2039470 (VCV002039470.6), dbSNP rs78480673, ClinGen allele CA4253596.

ClinVar aggregate classification (germline): Benign. Review status: criteria provided, single submitter (1 of 4 stars). 2 submissions from 2 submitters: Benign (1). 1 of the submissions does not count toward it. Last evaluated 2026-02-01.

Conditions:
PKD1L1-related disorder. Also called: PKD1L1-related condition.

Allele frequency attached by ClinVar (database versions not stated): ExAC 0.01910; 1000 Genomes Project 0.03874; 1000 Genomes Project 30x 0.04122; gnomAD 0.04629; TOPMed 0.05217; ESP Exome Variant Server 0.05559.
gnomAD v4.1: 23,709 of 1,614,092 alleles (1.5%); highest among the groups gnomAD compares: African/African-American, 14%; 821 homozygotes.

Submissions (2):

Labcorp Genetics (formerly Invitae), Labcorp
Classification: Benign. Last evaluated: 2026-02-01. Review status: criteria provided, single submitter. Criteria: Invitae Variant Classification Sherloc (09022015). Collection method: clinical testing. Allele origin: germline.

PreventionGenetics, part of Exact Sciences
Classification: Benign for PKD1L1-related condition. Last evaluated: 2019-06-17. Review status: no assertion criteria provided. Collection method: clinical testing. Allele origin: germline. Not counted in ClinVar's aggregate classification.
Comment: This variant is classified as benign based on ACMG/AMP sequence variant interpretation guidelines (Richards et al. 2015 PMID: 25741868, with internal and published modifications).